The following is an entry in ClinVar:

ClinVar aggregate classification (germline): Uncertain significance (1 of 4 stars; one submission).

Conditions:
Nephronophthisis. Also called: Juvenile Nephronophthisis. Identifiers: Orphanet 655, MedGen C0687120, MONDO:0019005, HP:0000090.

Submission:

Labcorp Genetics (formerly Invitae), Labcorp
Classification: Uncertain significance for Nephronophthisis. Last evaluated: 2021-03-25. Review status: criteria provided, single submitter. Criteria: Invitae Variant Classification Sherloc (09022015). Collection method: clinical testing. Allele origin: germline.
Comment: In summary, the available evidence is currently insufficient to determine the role of this variant in disease. Therefore, it has been classified as a Variant of Uncertain Significance. Algorithms developed to predict the effect of missense changes on protein structure and function (SIFT, PolyPhen-2, Align-GVGD) all suggest that this variant is likely to be disruptive, but these predictions have not been confirmed by published functional studies and their clinical significance is uncertain. This variant has not been reported in the literature in individuals with INVS-related conditions. This variant is not present in population databases (ExAC no frequency). This sequence change replaces glycine with arginine at codon 467 of the INVS protein (p.Gly467Arg). The glycine residue is highly conserved and there is a moderate physicochemical difference between glycine and arginine.

NM_014425.5(INVS):c.1399G>C (p.Gly467Arg)

Gene: INVS (inversin; plus strand). Cytogenetic location: 9q31.1.
Variant type: single nucleotide variant.
Coding change: c.1399G>C on transcript NM_014425.5 (MANE Select); coding-DNA position 1399, G replaced by C.
Protein change: p.Gly467Arg; replaces glycine 467 with arginine.
Molecular consequence: missense variant. On other transcripts: non-coding transcript variant (1).
Genome position (GRCh38, 1-based): chr9:100,253,071, G>C. VCF-style: chr9-100253071-G-C. GRCh37 (hg19) VCF-style: chr9-103015353-G-C.
Other names: c.1111G>C, p.Gly371Arg (NM_001318381.2); c.421G>C, p.Gly141Arg (NM_001318382.2); short protein forms G141R, G371R, G467R.
Identifiers: ClinVar variation 1353606 (VCV001353606.8), dbSNP rs2118563520, ClinGen allele CA374364956.